The following is an entry in ClinVar:

ClinVar aggregate classification (germline): Uncertain significance (1 of 4 stars; one submission).

Conditions:
Alstrom syndrome (ALMS). Identifiers: Orphanet 64, MedGen C0268425, MONDO:0008763, OMIM 203800.

Submission:

Labcorp Genetics (formerly Invitae), Labcorp
Classification: Uncertain significance for Alstrom syndrome. Last evaluated: 2025-08-03. Review status: criteria provided, single submitter. Criteria: Invitae Variant Classification Sherloc (09022015). Collection method: clinical testing. Allele origin: germline.
Comment: This sequence change replaces proline, which is neutral and non-polar, with alanine, which is neutral and non-polar, at codon 1792 of the ALMS1 protein (p.Pro1792Ala). This variant is not present in population databases (gnomAD no frequency). This variant has not been reported in the literature in individuals affected with ALMS1-related conditions. Experimental studies and prediction algorithms are not available or were not evaluated, and the functional significance of this variant is currently unknown. In summary, the available evidence is currently insufficient to determine the role of this variant in disease. Therefore, it has been classified as a Variant of Uncertain Significance.

NM_001378454.1(ALMS1):c.5371C>G (p.Pro1791Ala)

Gene: ALMS1 (ALMS1 centrosome and basal body associated protein; plus strand). Cytogenetic location: 2p13.1.
Variant type: single nucleotide variant.
Coding change: c.5371C>G on transcript NM_001378454.1 (MANE Select); coding-DNA position 5371, C replaced by G.
Protein change: p.Pro1791Ala; replaces proline 1791 with alanine.
Molecular consequence: missense variant.
Genome position (GRCh38, 1-based): chr2:73,451,898, C>G. VCF-style: chr2-73451898-C-G. GRCh37 (hg19) VCF-style: chr2-73679025-C-G.
Other names: c.5374C>G, p.Pro1792Ala (NM_015120.4); short protein forms P1792A, P1791A.
Identifiers: ClinVar variation 4724706 (VCV004724706.1).